The following is an entry in ClinVar:

ClinVar aggregate classification (germline): Uncertain significance. Review status: criteria provided, multiple submitters, no conflicts (2 of 4 stars). 2 submissions from 2 submitters: Uncertain significance (2). Last evaluated 2024-09-29.

Conditions:
Alagille syndrome due to a JAG1 point mutation. Also called: JAG1-Related Alagille Syndrome; Alagille Syndrome 1; HEPATIC DUCTULAR HYPOPLASIA, SYNDROMATIC. Identifiers: Orphanet 261619, Orphanet 52, MedGen C1956125, MONDO:0016862, OMIM 118450.
Cardiovascular phenotype. Identifiers: MedGen CN230736.

gnomAD v4.1: 1 of 1,613,628 alleles (0.000062%); highest among the groups gnomAD compares: African/African-American, 0.0013%; no homozygotes.

Submissions (2):

Labcorp Genetics (formerly Invitae), Labcorp
Classification: Uncertain significance for Alagille syndrome due to a JAG1 point mutation. Last evaluated: 2024-09-29. Review status: criteria provided, single submitter. Criteria: Invitae Variant Classification Sherloc (09022015). Collection method: clinical testing. Allele origin: germline.
Comment: This sequence change replaces glutamic acid, which is acidic and polar, with aspartic acid, which is acidic and polar, at codon 968 of the JAG1 protein (p.Glu968Asp). This variant is not present in population databases (gnomAD no frequency). This variant has not been reported in the literature in individuals affected with JAG1-related conditions. ClinVar contains an entry for this variant (Variation ID: 1937679). Invitae Evidence Modeling of protein sequence and biophysical properties (such as structural, functional, and spatial information, amino acid conservation, physicochemical variation, residue mobility, and thermodynamic stability) indicates that this missense variant is not expected to disrupt JAG1 protein function with a negative predictive value of 95%. In summary, the available evidence is currently insufficient to determine the role of this variant in disease. Therefore, it has been classified as a Variant of Uncertain Significance.

Ambry Genetics
Classification: Uncertain significance for Cardiovascular phenotype. Last evaluated: 2024-03-07. Review status: criteria provided, single submitter. Criteria: Ambry Variant Classification Scheme 2023. Collection method: clinical testing. Allele origin: germline.
Comment: The p.E968D variant (also known as c.2904G>C), located in coding exon 23 of the JAG1 gene, results from a G to C substitution at nucleotide position 2904. The glutamic acid at codon 968 is replaced by aspartic acid, an amino acid with highly similar properties. This amino acid position is conserved. In addition, this alteration is predicted to be tolerated by in silico analysis. Based on the available evidence, the clinical significance of this alteration remains unclear.

NM_000214.3(JAG1):c.2904G>C (p.Glu968Asp)

Gene: JAG1 (jagged canonical Notch ligand 1; minus strand). Cytogenetic location: 20p12.2.
Variant type: single nucleotide variant.
Coding change: c.2904G>C on transcript NM_000214.3 (MANE Select); coding-DNA position 2904, G replaced by C.
Protein change: p.Glu968Asp; replaces glutamic acid 968 with aspartic acid.
Molecular consequence: missense variant.
Genome position (GRCh38, 1-based): chr20:10,641,472, C>G on the plus strand (G>C on the coding strand, the complement: JAG1 is on the minus strand). VCF-style: chr20-10641472-C-G. GRCh37 (hg19) VCF-style: chr20-10622120-C-G.
Other names: c.2904G>C (NM_000214.2); short protein forms E968D.
Identifiers: ClinVar variation 1937679 (VCV001937679.6), dbSNP rs1378948623, ClinGen allele CA408244717.